The following is an entry in ClinVar:

NM_001267550.2(TTN):c.48068del (p.Ser16023fs)

Genes: TTN-AS1 (TTN antisense RNA 1; plus strand), TTN (titin; minus strand). Cytogenetic location: 2q31.2.
Variant type: Deletion.
Coding change: c.48068del on transcript NM_001267550.2 (MANE Select); coding-DNA position 48068, one base deleted (C; older notation c.48068delC).
Protein change: p.Ser16023fs; shifts the reading frame from serine 16023.
Molecular consequence: frameshift variant.
Genome position (GRCh38, 1-based): chr2:178,616,821, G deleted on the plus strand (C on the coding strand, the reverse complement: TTN is on the minus strand). VCF-style (leftmost placement, unchanged base first): chr2-178616820-AG-A. GRCh37 (hg19) VCF-style: chr2-179481547-AG-A.
Other names: c.43145del, p.Ser14382fs (NM_001256850.1); c.20873del, p.Ser6958fs (NM_003319.4); c.40364del, p.Ser13455fs (NM_133378.4); c.21248del, p.Ser7083fs (NM_133432.3); c.21449del, p.Ser7150fs (NM_133437.4); short protein forms S13455fs, S14382fs, S16023fs, S6958fs, S7083fs, S7150fs.
Identifiers: ClinVar variation 3755451 (VCV003755451.2).

ClinVar aggregate classification (germline): Likely pathogenic (1 of 4 stars; one submission).

Conditions:
Dilated cardiomyopathy 1G (CMD1G). Identifiers: Orphanet 154, MedGen C1858763, MONDO:0011400, OMIM 604145.
Autosomal recessive limb-girdle muscular dystrophy type 2J (LGMDR10). Also called: Limb-girdle muscular dystrophy, type 2J; MUSCULAR DYSTROPHY, LIMB-GIRDLE, AUTOSOMAL RECESSIVE 10. Identifiers: Orphanet 140922, MedGen C1837342, MONDO:0012127, OMIM 608807.

Submission:

Labcorp Genetics (formerly Invitae), Labcorp
Classification: Likely pathogenic for Dilated cardiomyopathy 1G; Autosomal recessive limb-girdle muscular dystrophy type 2J. Last evaluated: 2024-03-21. Review status: criteria provided, single submitter. Criteria: Invitae Variant Classification Sherloc (09022015). Collection method: clinical testing. Allele origin: germline.
Comment: This sequence change creates a premature translational stop signal (p.Ser16023Phefs*13) in the TTN gene. While this is not anticipated to result in nonsense mediated decay, it is expected to create a truncated TTN protein. This variant is not present in population databases (gnomAD no frequency). This premature translational stop signal has been observed in individual(s) with clinical features of TTN-related conditions (Invitae). This variant is located in the A band of TTN (PMID: 25589632). Truncating variants in this region are significantly overrepresented in patients affected with dilated cardiomyopathy (PMID: 25589632). Truncating variants in this region have also been reported in individuals affected with autosomal recessive centronuclear myopathy (PMID: 23975875). In summary, the currently available evidence indicates that the variant is pathogenic, but additional data are needed to prove that conclusively. Therefore, this variant has been classified as Likely Pathogenic.

Literature cited by the submitters: PubMed 25589632; PubMed 23975875.